The following is an entry in ClinVar:

ClinVar aggregate classification (germline): Conflicting classifications of pathogenicity. Review status: criteria provided, conflicting classifications (1 of 4 stars). 2 submissions from 2 submitters: Likely pathogenic (1); Uncertain significance (1). Last evaluated 2021-11-17.

Conditions:
Hypertrophic cardiomyopathy 3. Also called: TPM1-Related Familial Hypertrophic Cardiomyopathy. Identifiers: MedGen C1861863, MONDO:0007267, OMIM 115196.
Dilated cardiomyopathy 1Y (CMD1Y). Identifiers: Orphanet 154, Orphanet 54260, MedGen C2678476, MONDO:0012744, OMIM 611878.

Submissions (2):

Clinical Genomics Laboratory, Stanford Medicine
Classification: Uncertain significance for Hypertrophic cardiomyopathy 3. Last evaluated: 2021-11-17. Review status: criteria provided, single submitter. Criteria: ACMG Guidelines, 2015. Collection method: clinical testing. Allele origin: germline. Affected: yes. Observed: 1 variant allele, 1 heterozygote.
Comment: The p.Glu96Asp variant in the TPM1 gene has not been previously reported in association with disease. This variant was absent from large population databases, including the Genome Aggregation Database. The glutamic acid at position 96 is highly evolutionarily conserved. Computational tools predict that the p.Glu96Asp variant is deleterious; however, the accuracy of in silico algorithms is limited. These data were assessed using the ACMG/AMP variant interpretation guidelines. In summary, the significance of the p.Glu96Asp variant is uncertain. Additional information is needed to resolve the significance of this variant. [ACMG evidence codes used: PM2; PP3]

Juno Genomics, Hangzhou Juno Genomics, Inc
Classification: Likely pathogenic for Dilated cardiomyopathy 1Y; Hypertrophic cardiomyopathy 3. Review status: criteria provided, single submitter. Criteria: ACMG Guidelines, 2015. Collection method: clinical testing. Allele origin: germline. Affected: yes.
Comment: Absent from controls (or at extremely low frequency if recessive) in Genome Aggregation Database, Exome Sequencing Project, 1000 Genomes Project, or Exome Aggregation Consortium.;Missense variant in a gene that has a low rate of benign missense variation and where missense variants are a common mechanism of disease.;Multiple lines of computational evidence support a deleterious effect on the gene or gene product (conservation, evolutionary, splicing impact, etc).;The prevalence of the variant in affected individuals is significantly increased compared to the prevalence in controls.

NM_001018005.2(TPM1):c.288G>T (p.Glu96Asp)

Gene: TPM1 (tropomyosin 1; plus strand). Cytogenetic location: 15q22.2.
Variant type: single nucleotide variant.
Coding change: c.288G>T on transcript NM_001018005.2 (MANE Select); coding-DNA position 288, G replaced by T.
Protein change: p.Glu96Asp; replaces glutamic acid 96 with aspartic acid.
Molecular consequence: missense variant. On other transcripts: non-coding transcript variant (17).
Genome position (GRCh38, 1-based): chr15:63,057,032, G>T. VCF-style: chr15-63057032-G-T. GRCh37 (hg19) VCF-style: chr15-63349231-G-T.
Other names: c.288G>T, p.Glu96Asp (NM_000366.6, NM_001018004.2, NM_001018006.2 and 20 more transcripts); c.180G>T, p.Glu60Asp (NM_001018008.2, NM_001301289.2, NM_001330344.2 and 9 more transcripts); c.414G>T, p.Glu138Asp (NM_001365778.1, NM_001407322.1, NM_001407323.1 and 1 more transcripts); c.288G>T (NM_001018005.1); short protein forms E138D, E60D, E96D.
Identifiers: ClinVar variation 4531273 (VCV004531273.2).